The following is an entry in ClinVar:

ClinVar aggregate classification (germline): Benign/Likely benign. Review status: criteria provided, multiple submitters, no conflicts (2 of 4 stars). 3 submissions from 3 submitters: Benign (1); Likely benign (2). Last evaluated 2026-07-07.

Conditions:
Hereditary diffuse gastric adenocarcinoma (HDGC). Also called: DIFFUSE GASTRIC AND LOBULAR BREAST CANCER SYNDROME. Identifiers: Orphanet 26106, MedGen C1708349, MONDO:0007648, OMIM 137215.
Hereditary cancer-predisposing syndrome. Also called: Tumor predisposition; Hereditary neoplastic syndrome; Neoplastic Syndromes, Hereditary; Hereditary Cancer Syndrome. Identifiers: Orphanet 140162, MedGen C0027672, MeSH D009386, MONDO:0015356.

Submissions (3):

Ambry Genetics
Classification: Likely benign for Hereditary cancer-predisposing syndrome. Last evaluated: 2026-07-07. Review status: criteria provided, single submitter. Criteria: Ambry Variant Classification Scheme 2023. Collection method: clinical testing. Allele origin: germline.

Myriad Genetics, Inc.
Classification: Benign for Hereditary diffuse gastric adenocarcinoma. Last evaluated: 2024-09-18. Review status: criteria provided, single submitter. Criteria: Myriad Autosomal Dominant, Autosomal Recessive and X-Linked Classification Criteria (2023). Collection method: clinical testing. Allele origin: unknown.
Comment: This variant is considered benign. This variant is a silent/synonymous amino acid change and it is not expected to impact splicing.

Labcorp Genetics (formerly Invitae), Labcorp
Classification: Likely benign for Hereditary diffuse gastric adenocarcinoma. Last evaluated: 2021-11-30. Review status: criteria provided, single submitter. Criteria: Invitae Variant Classification Sherloc (09022015). Collection method: clinical testing. Allele origin: germline.

NM_004360.5(CDH1):c.1140C>T (p.Tyr380=)

Gene: CDH1 (cadherin 1; plus strand). Cytogenetic location: 16q22.1.
Variant type: single nucleotide variant.
Coding change: c.1140C>T on transcript NM_004360.5 (MANE Select); coding-DNA position 1140, C replaced by T.
Protein change: p.Tyr380=; no amino-acid change (tyrosine 380 retained).
Molecular consequence: synonymous variant. On other transcripts: 5 prime UTR variant (2), intron variant (1).
Genome position (GRCh38, 1-based): chr16:68,813,315, C>T. VCF-style: chr16-68813315-C-T. GRCh37 (hg19) VCF-style: chr16-68847218-C-T.
Other names: c.1140C>T (NM_004360.3); c.-476C>T (NM_001317185.2); c.-680C>T (NM_001317186.2); c.1137+1052C>T (NM_001317184.2).
Identifiers: ClinVar variation 1659272 (VCV001659272.10), dbSNP rs2152133295, ClinGen allele CA496392551.
Genomic context (GRCh38, chr16:68,813,315, plus strand): 5'-ACTCAGCTCTGCTAGCAGTCTTGGTACTTTGTAAATGACACATCTCTTTGCTCTGCAGTA[C>T]AAGGGTCAGGTGCCTGAGAACGAGGCTAACGTCGTAATCACCACACTGAAAGTGACTGAT-3'
Protein context (NP_004351.1, residues 370-390): DNPPIFNPTT[Tyr380=]KGQVPENEAN